The following is an entry in ClinVar:

NM_033225.6(CSMD1):c.5829C>T (p.Pro1943=)

Gene: CSMD1 (CUB and Sushi multiple domains 1; minus strand). Cytogenetic location: 8p23.2.
Variant type: single nucleotide variant.
Coding change: c.5829C>T on transcript NM_033225.6 (MANE Select); coding-DNA position 5829, C replaced by T.
Protein change: p.Pro1943=; no amino-acid change (proline 1943 retained).
Molecular consequence: synonymous variant.
Genome position (GRCh38, 1-based): chr8:3,162,174, G>A on the plus strand (C>T on the coding strand, the complement: CSMD1 is on the minus strand). VCF-style: chr8-3162174-G-A. GRCh37 (hg19) VCF-style: chr8-3019696-G-A.
Identifiers: ClinVar variation 2658333 (VCV002658333.24), dbSNP rs145598896, ClinGen allele CA4606749.
Genomic context (GRCh38, chr8:3,162,174, plus strand): 5'-GATGACCATGTGTATGTTATTCCTGAGCACTGAGAAGAAGGATACCTGCAGGGTGTACCC[G>A]GGCTCGCACTGGAAGGAGAGCACGTCGTTCACCATGTACCGATCTCCGATTTTGATGCTG-3'
Protein context (NP_150094.5, residues 1933-1953): VNDVLSFQCE[Pro1943=]GYTLQGRSHI

ClinVar aggregate classification (germline): Benign (1 of 4 stars; one submission).

Allele frequency attached by ClinVar (database versions not stated): ExAC 0.00125; TOPMed 0.00146; ESP Exome Variant Server 0.00163; 1000 Genomes Project 30x 0.00219; 1000 Genomes Project 0.00220.
gnomAD v4.1: 1,863 of 1,605,154 alleles (0.12%); highest among the groups gnomAD compares: African/African-American, 0.26%; 1 homozygote.

Submission:

CeGaT Center for Human Genetics Tuebingen
Classification: Benign. Last evaluated: 2022-03-01. Review status: criteria provided, single submitter. Criteria: CeGaT Center For Human Genetics Tuebingen Variant Classification Criteria Version 2. Collection method: clinical testing. Allele origin: germline. Affected: yes. Observed: 1 variant allele.
Comment: CSMD1: BS1, BS2